The following is an entry in ClinVar:

NM_001330588.2(TPP2):c.14C>T (p.Ala5Val)

Gene: TPP2 (tripeptidyl peptidase 2; plus strand). Cytogenetic location: 13q33.1.
Variant type: single nucleotide variant.
Coding change: c.14C>T on transcript NM_001330588.2 (MANE Select); coding-DNA position 14, C replaced by T.
Protein change: p.Ala5Val; replaces alanine 5 with valine.
Molecular consequence: missense variant. On other transcripts: non-coding transcript variant (1).
Genome position (GRCh38, 1-based): chr13:102,597,052, C>T. VCF-style: chr13-102597052-C-T. GRCh37 (hg19) VCF-style: chr13-103249402-C-T.
Other names: c.14C>T, p.Ala5Val (NM_001367947.1, NM_003291.4); short protein forms A5V.
Identifiers: ClinVar variation 4781435 (VCV004781435.1).
Genomic context (GRCh38, chr13:102,597,052, plus strand): 5'-CGCGCAGCCTGGCAGTTTGCCGCTTCCTCGTCCTCCATCCTGCGTCCATGGCCACCGCTG[C>T]GACTGAGGAGCCCTTCCCTTTTCACGGTCTCCTGCCGAAGAAGGAGACCGGAGCCGCCTC-3'
Protein context (NP_001317517.1, residues 1-15): MATA[Ala5Val]TEEPFPFHGL

ClinVar aggregate classification (germline): Uncertain significance (1 of 4 stars; one submission).

Conditions:
Evans syndrome, immunodeficiency, and premature immunosenescence associated with tripeptidyl-peptidase II deficiency. Identifiers: MedGen CN231723. Disease mechanism: loss of function.

Submission:

Labcorp Genetics (formerly Invitae), Labcorp
Classification: Uncertain significance for Evans syndrome, immunodeficiency, and premature immunosenescence associated with tripeptidyl-peptidase II deficiency. Last evaluated: 2026-01-29. Review status: criteria provided, single submitter. Criteria: Invitae Variant Classification Sherloc (09022015). Collection method: clinical testing. Allele origin: germline.
Comment: This sequence change replaces alanine, which is neutral and non-polar, with valine, which is neutral and non-polar, at codon 5 of the TPP2 protein (p.Ala5Val). This variant is not present in population databases (gnomAD no frequency). This variant has not been reported in the literature in individuals affected with TPP2-related conditions. An algorithm developed to predict the effect of missense changes on protein structure and function (PolyPhen-2) suggests that this variant is likely to be tolerated. In summary, the available evidence is currently insufficient to determine the role of this variant in disease. Therefore, it has been classified as a Variant of Uncertain Significance.